The following is an entry in ClinVar:

ClinVar aggregate classification (germline): Uncertain significance (1 of 4 stars; one submission).

Conditions:
Joubert syndrome. Also called: CEREBELLOPARENCHYMAL DISORDER IV; JOUBERT-BOLTSHAUSER SYNDROME; Familial aplasia of the vermis. Identifiers: Orphanet 475, MedGen C5979921, MONDO:0018772.
Meckel-Gruber syndrome. Also called: DYSENCEPHALIA SPLANCHNOCYSTICA; GRUBER SYNDROME; Dysencephalia splachnocystica. Identifiers: Orphanet 564, MedGen C0265215, MONDO:0018921.

Submission:

Labcorp Genetics (formerly Invitae), Labcorp
Classification: Uncertain significance for Joubert syndrome; Meckel-Gruber syndrome. Last evaluated: 2021-03-26. Review status: criteria provided, single submitter. Criteria: Invitae Variant Classification Sherloc (09022015). Collection method: clinical testing. Allele origin: germline.
Comment: In summary, the available evidence is currently insufficient to determine the role of this variant in disease. Therefore, it has been classified as a Variant of Uncertain Significance. Algorithms developed to predict the effect of missense changes on protein structure and function (SIFT, PolyPhen-2, Align-GVGD) all suggest that this variant is likely to be tolerated, but these predictions have not been confirmed by published functional studies and their clinical significance is uncertain. This variant has not been reported in the literature in individuals with RPGRIP1L-related conditions. This variant is not present in population databases (ExAC no frequency). This sequence change replaces glycine with glutamic acid at codon 310 of the RPGRIP1L protein (p.Gly310Glu). The glycine residue is moderately conserved and there is a moderate physicochemical difference between glycine and glutamic acid.

NM_015272.5(RPGRIP1L):c.929G>A (p.Gly310Glu)

Gene: RPGRIP1L (RPGRIP1 like; minus strand). Cytogenetic location: 16q12.2.
Variant type: single nucleotide variant.
Coding change: c.929G>A on transcript NM_015272.5 (MANE Select); coding-DNA position 929, G replaced by A.
Protein change: p.Gly310Glu; replaces glycine 310 with glutamic acid.
Molecular consequence: missense variant.
Genome position (GRCh38, 1-based): chr16:53,672,970, C>T on the plus strand (G>A on the coding strand, the complement: RPGRIP1L is on the minus strand). VCF-style: chr16-53672970-C-T. GRCh37 (hg19) VCF-style: chr16-53706882-C-T.
Other names: c.929G>A, p.Gly310Glu (NM_001127897.4, NM_001308334.3, NM_001330538.2); short protein forms G310E.
Identifiers: ClinVar variation 1428905 (VCV001428905.10), dbSNP rs2151245719, ClinGen allele CA395922957.
Genomic context (GRCh38, chr16:53,672,970, plus strand): 5'-TGTTTCTCAAGACTGCAGCATTTTAAACGCTGCTCTTTAAGTTGCATGTTTAATTCATCC[C>T]CATTTGCCATCAAAGCATCGTGGCTGATTCTGAGAGTTCTTTGCTTCTAAAAGATAAAAA-3'
Protein context (NP_056087.2, residues 300-320): RISHDALMAN[Gly310Glu]DELNMQLKEQ